The following is an entry in ClinVar:

NC_000009.11:g.(?_311934)_(332498_?)del

Gene: DOCK8 (dedicator of cytokinesis 8; plus strand). Cytogenetic location: 9p24.3.
Variant type: Deletion.
Identifiers: ClinVar variation 1514846 (VCV001514846.9).

ClinVar aggregate classification (germline): Uncertain significance (1 of 4 stars; one submission).

Conditions:
Combined immunodeficiency due to DOCK8 deficiency (HIES2). Also called: DOCK8 Deficiency; HIES autosomal recessive; Hyper-IgE recurrent infection syndrome, autosomal recessive; HYPER-IgE RECURRENT INFECTION SYNDROME 2, AUTOSOMAL RECESSIVE; HYPER-IgE SYNDROME 2, AUTOSOMAL RECESSIVE, WITH RECURRENT INFECTIONS. Identifiers: Orphanet 217390, MedGen C4722305, MONDO:0009478, OMIM 243700.

Submission:

Labcorp Genetics (formerly Invitae), Labcorp
Classification: Uncertain significance for Combined immunodeficiency due to DOCK8 deficiency. Last evaluated: 2021-08-12. Review status: criteria provided, single submitter. Criteria: Invitae Variant Classification Sherloc (09022015). Collection method: clinical testing. Allele origin: germline.
Comment: This variant is a gross deletion of the genomic region encompassing exon(s) 6-10 of the DOCK8 gene. This variant would be expected to be in-frame, preserving the integrity of the reading frame. This variant has not been reported in the literature in individuals affected with DOCK8-related conditions. Experimental studies and prediction algorithms are not available or were not evaluated, and the functional significance of this variant is currently unknown. In summary, the available evidence is currently insufficient to determine the role of this variant in disease. Therefore, it has been classified as a Variant of Uncertain Significance.